The following is an entry in ClinVar:

ClinVar aggregate classification (germline): Uncertain significance. Review status: criteria provided, single submitter (1 of 4 stars). 2 submissions from 2 submitters: Uncertain significance (1). 1 of the submissions does not count toward it. Last evaluated 2022-07-06.

Conditions:
Brugada syndrome 8 (BRGDA8). Identifiers: Orphanet 130, MedGen C2751083, MONDO:0013148, OMIM 613123.
HCN4-related disorder. Also called: HCN4-related condition.

Submissions (2):

Labcorp Genetics (formerly Invitae), Labcorp
Classification: Uncertain significance for Brugada syndrome 8. Last evaluated: 2022-07-06. Review status: criteria provided, single submitter. Criteria: Invitae Variant Classification Sherloc (09022015). Collection method: clinical testing. Allele origin: germline.
Comment: In summary, the available evidence is currently insufficient to determine the role of this variant in disease. Therefore, it has been classified as a Variant of Uncertain Significance. This sequence change replaces proline, which is neutral and non-polar, with serine, which is neutral and polar, at codon 1178 of the HCN4 protein (p.Pro1178Ser). This variant is not present in population databases (gnomAD no frequency). This variant has not been reported in the literature in individuals affected with HCN4-related conditions. ClinVar contains an entry for this variant (Variation ID: 1380724). Advanced modeling of protein sequence and biophysical properties (such as structural, functional, and spatial information, amino acid conservation, physicochemical variation, residue mobility, and thermodynamic stability) performed at Invitae indicates that this missense variant is not expected to disrupt HCN4 protein function.

PreventionGenetics, part of Exact Sciences
Classification: Uncertain significance for HCN4-related condition. Last evaluated: 2023-12-04. Review status: no assertion criteria provided. Collection method: clinical testing. Allele origin: germline. Not counted in ClinVar's aggregate classification.
Comment: The HCN4 c.3532C>T variant is predicted to result in the amino acid substitution p.Pro1178Ser. To our knowledge, this variant has not been reported in the literature or in a large population database, indicating this variant is rare. At this time, the clinical significance of this variant is uncertain due to the absence of conclusive functional and genetic evidence.

NM_005477.3(HCN4):c.3532C>T (p.Pro1178Ser)

Gene: HCN4 (hyperpolarization activated cyclic nucleotide gated potassium channel 4; minus strand). Cytogenetic location: 15q24.1.
Variant type: single nucleotide variant.
Coding change: c.3532C>T on transcript NM_005477.3 (MANE Select); coding-DNA position 3532, C replaced by T.
Protein change: p.Pro1178Ser; replaces proline 1178 with serine.
Molecular consequence: missense variant.
Genome position (GRCh38, 1-based): chr15:73,322,561, G>A on the plus strand (C>T on the coding strand, the complement: HCN4 is on the minus strand). VCF-style: chr15-73322561-G-A. GRCh37 (hg19) VCF-style: chr15-73614902-G-A.
Other names: c.3532C>T (NM_005477.2); short protein forms P1178S.
Identifiers: ClinVar variation 1380724 (VCV001380724.8), dbSNP rs1354805701, ClinGen allele CA393084975.